The following is an entry in ClinVar:

ClinVar aggregate classification (germline): Likely benign (0 of 4 stars; one submission).

Conditions:
SLC19A2-related disorder. Also called: SLC19A2-related condition.

Submission:

PreventionGenetics, part of Exact Sciences
Classification: Likely benign for SLC19A2-related condition. Last evaluated: 2021-08-17. Review status: no assertion criteria provided. Collection method: clinical testing. Allele origin: germline.
Comment: This variant is classified as likely benign based on ACMG/AMP sequence variant interpretation guidelines (Richards et al. 2015 PMID: 25741868, with internal and published modifications).

NM_006996.3(SLC19A2):c.285C>T (p.Leu95=)

Gene: SLC19A2 (solute carrier family 19 member 2; minus strand). Cytogenetic location: 1q24.2.
Variant type: single nucleotide variant.
Coding change: c.285C>T on transcript NM_006996.3 (MANE Select); coding-DNA position 285, C replaced by T.
Protein change: p.Leu95=; no amino-acid change (leucine 95 retained).
Molecular consequence: synonymous variant. On other transcripts: intron variant (1).
Genome position (GRCh38, 1-based): chr1:169,477,677, G>A on the plus strand (C>T on the coding strand, the complement: SLC19A2 is on the minus strand). VCF-style: chr1-169477677-G-A. GRCh37 (hg19) VCF-style: chr1-169446915-G-A.
Other names: c.205-7491C>T (NM_001319667.1).
Identifiers: ClinVar variation 3061654 (VCV003061654.2), dbSNP rs2526257739, ClinGen allele CA421718499.